The following is an entry in ClinVar:

NM_000414.4(HSD17B4):c.1104T>C (p.Ser368=)

Gene: HSD17B4 (hydroxysteroid 17-beta dehydrogenase 4; plus strand). Cytogenetic location: 5q23.1.
Variant type: single nucleotide variant.
Coding change: c.1104T>C on transcript NM_000414.4 (MANE Select); coding-DNA position 1104, T replaced by C.
Protein change: p.Ser368=; no amino-acid change (serine 368 retained).
Molecular consequence: synonymous variant. On other transcripts: non-coding transcript variant (2).
Genome position (GRCh38, 1-based): chr5:119,499,448, T>C. VCF-style: chr5-119499448-T-C. GRCh37 (hg19) VCF-style: chr5-118835143-T-C.
Other names: c.1179T>C, p.Ser393= (NM_001199291.3); c.1050T>C, p.Ser350= (NM_001199292.2); c.1032T>C, p.Ser344= (NM_001292027.2); c.684T>C, p.Ser228= (NM_001292028.2); c.1095T>C, p.Ser365= (NM_001374497.1); c.1104T>C, p.Ser368= (NM_001374498.1); c.777T>C, p.Ser259= (NM_001374499.1); c.663T>C, p.Ser221= (NM_001374500.1); and 1 more.
Identifiers: ClinVar variation 3031608 (VCV003031608.3), dbSNP rs2126781163, ClinGen allele CA446219132.
Genomic context (GRCh38, chr5:119,499,448, plus strand): 5'-CCTTGGAGTGGGAGCGTCAATCAAGGATCCAAAAGATTTGAAATTTATTTATGAAGGAAG[T>C]TCTGATTTCTCCTGTTTGCCCACCTTCGGAGTTATCATAGGTCAGAAATCTATGATGGGT-3'
Protein context (NP_000405.1, residues 358-378): PKDLKFIYEG[Ser368=]SDFSCLPTFG

ClinVar aggregate classification (germline): Likely benign. Review status: criteria provided, single submitter (1 of 4 stars). 2 submissions from 2 submitters: Likely benign (1). 1 of the submissions does not count toward it. Last evaluated 2025-09-16.

Conditions:
Perrault syndrome. Also called: Gonadal dysgenesis with auditory dysfunction, autosomal recessive inheritance. Identifiers: Orphanet 2855, MedGen C0685838, MONDO:0017312.
Bifunctional peroxisomal enzyme deficiency (DBIF). Also called: DBP DEFICIENCY; PBFE DEFICIENCY; D-bifunctional protein deficiency. Identifiers: Orphanet 300, MedGen C0342870, MONDO:0009855, OMIM 261515. Disease mechanism: loss of function.
HSD17B4-related disorder. Also called: HSD17B4-related condition; HSD17B4-related disorders.

Submissions (2):

Labcorp Genetics (formerly Invitae), Labcorp
Classification: Likely benign for Perrault syndrome; Bifunctional peroxisomal enzyme deficiency. Last evaluated: 2025-09-16. Review status: criteria provided, single submitter. Criteria: Invitae Variant Classification Sherloc (09022015). Collection method: clinical testing. Allele origin: germline.

PreventionGenetics, part of Exact Sciences
Classification: Likely benign for HSD17B4-related condition. Last evaluated: 2023-12-03. Review status: no assertion criteria provided. Collection method: clinical testing. Allele origin: germline. Not counted in ClinVar's aggregate classification.
Comment: This variant is classified as likely benign based on ACMG/AMP sequence variant interpretation guidelines (Richards et al. 2015 PMID: 25741868, with internal and published modifications).